The following is an entry in ClinVar:

NM_080476.5(PIGU):c.1250_1273dup (p.Ala424_Lys425insThrHisGlyLeuTyrLeuThrAla)

Gene: PIGU (phosphatidylinositol glycan anchor biosynthesis class U; minus strand). Cytogenetic location: 20q11.22.
Variant type: Duplication.
Coding change: c.1250_1273dup on transcript NM_080476.5 (MANE Select); coding-DNA positions 1250 to 1273, 24 bases duplicated (CACATGGCCTCTACTTGACCGCCA).
Protein change: p.Ala424_Lys425insThrHisGlyLeuTyrLeuThrAla.
Molecular consequence: inframe insertion.
Genome position (GRCh38, 1-based): chr20:34,560,901-34,560,924, TGGCGGTCAAGTAGAGGCCATGTG duplicated on the plus strand (CACATGGCCTCTACTTGACCGCCA on the coding strand, the reverse complement: PIGU is on the minus strand); duplicating any 24 consecutive bases within chr20:34,560,901-34,560,926 gives the same sequence; the c. name uses the placement nearest the transcript's 3' end. VCF-style (leftmost placement, unchanged base first): chr20-34560900-T-TTGGCGGTCAAGTAGAGGCCATGTG. GRCh37 (hg19) VCF-style: chr20-33148704-T-TTGGCGGTCAAGTAGAGGCCATGTG.
Identifiers: ClinVar variation 2101301 (VCV002101301.4), dbSNP rs2146684689, ClinGen allele CA2580098107.

ClinVar aggregate classification (germline): Uncertain significance (1 of 4 stars; one submission).

Submission:

Labcorp Genetics (formerly Invitae), Labcorp
Classification: Uncertain significance. Last evaluated: 2022-02-21. Review status: criteria provided, single submitter. Criteria: Invitae Variant Classification Sherloc (09022015). Collection method: clinical testing. Allele origin: germline.
Comment: In summary, the available evidence is currently insufficient to determine the role of this variant in disease. Therefore, it has been classified as a Variant of Uncertain Significance. This variant has not been reported in the literature in individuals affected with PIGU-related conditions. This variant is not present in population databases (gnomAD no frequency). This variant, c.1250_1273dup, results in the insertion of 8 amino acid(s) of the PIGU protein (p.Thr417_Ala424dup), but otherwise preserves the integrity of the reading frame.